The following is an entry in ClinVar:

NR_003051.4(RMRP):n.147C>A

Gene: RMRP (RNA component of mitochondrial RNA processing endoribonuclease; minus strand). Cytogenetic location: 9p13.3.
Variant type: single nucleotide variant.
Genome position: GRCh38 VCF-style: chr9-35657873-G-T. GRCh37 (hg19) VCF-style: chr9-35657870-G-T.
Identifiers: ClinVar variation 950313 (VCV000950313.8), dbSNP rs757576534, ClinGen allele CA192745603.

ClinVar aggregate classification (germline): Uncertain significance. Review status: criteria provided, multiple submitters, no conflicts (2 of 4 stars). 3 submissions from 3 submitters: Uncertain significance (2). 1 of the submissions does not count toward it. Last evaluated 2024-10-21.

Conditions:
Anauxetic dysplasia. Identifiers: Orphanet 93347, MedGen C1846796, MONDO:0011773.
Metaphyseal chondrodysplasia, McKusick type (CHH). Also called: Cartilage-hair hypoplasia; Cartilage-Hair Hypoplasia (CHH). Identifiers: Orphanet 175, MedGen C0220748, MONDO:0009595, OMIM 250250.
Anauxetic dysplasia 1 (ANXD1). Also called: Anauxetic Dysplasia (AD). Identifiers: Orphanet 93347, MedGen C4551965, MONDO:0054560, OMIM 607095.
Metaphyseal dysplasia without hypotrichosis. Also called: Metaphyseal Dysplasia without Hypotrichosis (MDWH); CARTILAGE-HAIR HYPOPLASIA VARIANT, SKELETAL MANIFESTATIONS ONLY; CARTILAGE-HAIR HYPOPLASIA-LIKE SKELETAL DYSPLASIA WITHOUT HYPOTRICHOSIS OR IMMUNODEFICIENCY. Identifiers: MedGen C1834821, MONDO:0009601, OMIM 250460.

Allele frequency attached by ClinVar (database versions not stated): TOPMed 0.00002.
gnomAD v4.1: 5 of 693,908 alleles (0.00072%); highest among the groups gnomAD compares: Admixed American, 0.002%; no homozygotes.

Submissions (3):

Labcorp Genetics (formerly Invitae), Labcorp
Classification: Uncertain significance for Anauxetic dysplasia. Last evaluated: 2024-10-21. Review status: criteria provided, single submitter. Criteria: Invitae Variant Classification Sherloc (09022015). Collection method: clinical testing. Allele origin: germline.
Comment: This variant occurs in the RMRP gene, which encodes an RNA molecule that does not result in a protein product. This variant is present in population databases (no rsID available, gnomAD 0.01%). This variant has not been reported in the literature in individuals affected with RMRP-related conditions. ClinVar contains an entry for this variant (Variation ID: 950313). Experimental studies and prediction algorithms are not available or were not evaluated, and the functional significance of this variant is currently unknown. In summary, the available evidence is currently insufficient to determine the role of this variant in disease. Therefore, it has been classified as a Variant of Uncertain Significance.

Fulgent Genetics
Classification: Uncertain significance for Metaphyseal chondrodysplasia, McKusick type; Metaphyseal dysplasia without hypotrichosis; Anauxetic dysplasia 1. Last evaluated: 2022-01-11. Review status: criteria provided, single submitter. Criteria: ACMG Guidelines, 2015. Collection method: clinical testing. Allele origin: unknown.

Natera, Inc.
Classification: Uncertain significance for Cartilage-hair hypoplasia. Last evaluated: 2020-01-24. Review status: no assertion criteria provided. Collection method: clinical testing. Allele origin: germline. Not counted in ClinVar's aggregate classification.